The following is an entry in ClinVar:

NM_000441.2(SLC26A4):c.419C>G (p.Pro140Arg)

Gene: SLC26A4 (solute carrier family 26 member 4; plus strand). Cytogenetic location: 7q22.3.
Variant type: single nucleotide variant.
Coding change: c.419C>G on transcript NM_000441.2 (MANE Select); coding-DNA position 419, C replaced by G.
Protein change: p.Pro140Arg; replaces proline 140 with arginine.
Molecular consequence: missense variant.
Genome position (GRCh38, 1-based): chr7:107,674,167, C>G. VCF-style: chr7-107674167-C-G. GRCh37 (hg19) VCF-style: chr7-107314612-C-G.
Other names: short protein forms P140R.
Identifiers: ClinVar variation 2134324 (VCV002134324.6), dbSNP rs2535296235, ClinGen allele CA368847792.
Genomic context (GRCh38, chr7:107,674,167, plus strand): 5'-CACATTGAACATTTGTGATTAATAACTGATTAATTGTTAGAGACTTTTTTTCCCCAGGAC[C>G]TTTTCCAGTGGTGAGTTTAATGGTGGGATCTGTTGTTCTGAGCATGGCCCCCGACGAACA-3'
Protein context (NP_000432.1, residues 130-150): FGTSRHISVG[Pro140Arg]FPVVSLMVGS

ClinVar aggregate classification (germline): Conflicting classifications of pathogenicity. Review status: criteria provided, conflicting classifications (1 of 4 stars). 3 submissions from 3 submitters: Likely pathogenic (2); Uncertain significance (1). Last evaluated 2026-05-19.

Conditions:
Autosomal recessive nonsyndromic hearing loss 4 (DFNB4). Also called: DEAFNESS, AUTOSOMAL RECESSIVE 4, WITH ENLARGED VESTIBULAR AQUEDUCT, DIGENIC; Nonsyndromic enlarged vestibular aqueduct (NSEVA); Deafness, autosomal recessive 4; FOXI1-Related Pendred Syndrome; KCNJ10-Related Pendred Syndrome; Deafness, autosomal recessive 4, with enlarged vestibular aqueduct. Identifiers: Orphanet 90636, MedGen C3538946, MONDO:0010933, OMIM 600791.
Pendred syndrome (PDS). Also called: Pendred Syndrome (PDS); DEAFNESS WITH GOITER; GOITER-DEAFNESS SYNDROME; HYPOTHYROIDISM, CONGENITAL, DUE TO DYSHORMONOGENESIS, 2B; Pendred's syndrome; THYROID DYSHORMONOGENESIS 2B. Identifiers: Orphanet 705, MedGen C0271829, MONDO:0010134, OMIM 274600.

Submissions (3):

Myriad Genetics, Inc.
Classification: Uncertain significance for Pendred syndrome. Last evaluated: 2026-05-19. Review status: criteria provided, single submitter. Criteria: Myriad Autosomal Dominant, Autosomal Recessive and X-Linked Classification Criteria (2023). Collection method: clinical testing. Allele origin: unknown.
Comment: NM_000441.1(SLC26A4):c.419C>G(P140R) is a missense variant classified as a variant of uncertain significance in the context of Pendred syndrome. P140R has not been observed in cases with relevant disease. Relevant functional assessments of this variant are not available in the literature. P140R has not been observed in referenced population frequency databases. In summary, there is insufficient evidence to classify NM_000441.1(SLC26A4):c.419C>G(P140R) as pathogenic or benign. Please note: this variant was assessed in the context of healthy population screening.

Fulgent Genetics
Classification: Likely pathogenic for Pendred syndrome; Autosomal recessive nonsyndromic hearing loss 4. Last evaluated: 2024-06-06. Review status: criteria provided, single submitter. Criteria: ACMG Guidelines, 2015. Collection method: clinical testing. Allele origin: germline.

Labcorp Genetics (formerly Invitae), Labcorp
Classification: Likely pathogenic. Last evaluated: 2022-05-12. Review status: criteria provided, single submitter. Criteria: Invitae Variant Classification Sherloc (09022015). Collection method: clinical testing. Allele origin: germline.
Comment: This sequence change replaces proline, which is neutral and non-polar, with arginine, which is basic and polar, at codon 140 of the SLC26A4 protein (p.Pro140Arg). This variant is not present in population databases (gnomAD no frequency). This variant has not been reported in the literature in individuals affected with SLC26A4-related conditions. Advanced modeling of protein sequence and biophysical properties (such as structural, functional, and spatial information, amino acid conservation, physicochemical variation, residue mobility, and thermodynamic stability) performed at Invitae indicates that this missense variant is expected to disrupt SLC26A4 protein function. This variant disrupts the p.Pro140 amino acid residue in SLC26A4. Other variant(s) that disrupt this residue have been determined to be pathogenic (PMID: 18285825, 19017801). This suggests that this residue is clinically significant, and that variants that disrupt this residue are likely to be disease-causing. In summary, the currently available evidence indicates that the variant is pathogenic, but additional data are needed to prove that conclusively. Therefore, this variant has been classified as Likely Pathogenic.

Literature cited by the submitters: PubMed 18285825 (cited by Labcorp Genetics (formerly Invitae), Labcorp); PubMed 19017801 (cited by Labcorp Genetics (formerly Invitae), Labcorp).